The following is an entry in ClinVar:

ClinVar aggregate classification (germline): Pathogenic. Review status: criteria provided, multiple submitters, no conflicts (2 of 4 stars). 2 submissions from 2 submitters: Pathogenic (2). Last evaluated 2024-01-29.

Conditions:
Familial cancer of breast. Also called: BREAST CANCER, FAMILIAL; Hereditary breast cancer; hereditary breast carcinoma. Identifiers: Orphanet 227535, MedGen C0346153, MONDO:0016419, OMIM 114480. Disease mechanism: loss of function.
Hereditary cancer-predisposing syndrome. Also called: Hereditary Cancer Syndrome; Hereditary neoplastic syndrome; Neoplastic Syndromes, Hereditary; Tumor predisposition. Identifiers: Orphanet 140162, MedGen C0027672, MeSH D009386, MONDO:0015356.

Submissions (2):

Myriad Genetics, Inc.
Classification: Pathogenic for Familial cancer of breast. Last evaluated: 2024-01-29. Review status: criteria provided, single submitter. Criteria: Myriad Autosomal Dominant, Autosomal Recessive and X-Linked Classification Criteria (2023). Collection method: clinical testing. Allele origin: unknown.
Comment: This variant is considered pathogenic. This variant creates a termination codon and is predicted to result in premature protein truncation.

Ambry Genetics
Classification: Pathogenic for Hereditary cancer-predisposing syndrome. Last evaluated: 2023-03-27. Review status: criteria provided, single submitter. Criteria: Ambry Variant Classification Scheme 2023. Collection method: clinical testing. Allele origin: germline.
Comment: The p.K2025* variant (also known as c.6073A>T), located in coding exon 40 of the ATM gene, results from an A to T substitution at nucleotide position 6073. This changes the amino acid from a lysine to a stop codon within coding exon 40. This variant is considered to be rare based on population cohorts in the Genome Aggregation Database (gnomAD). This alteration is expected to result in loss of function by premature protein truncation or nonsense-mediated mRNA decay. As such, this alteration is interpreted as a disease-causing mutation.

NM_000051.4(ATM):c.6073A>T (p.Lys2025Ter)

Genes: ATM (ATM serine/threonine kinase; plus strand), C11orf65 (chromosome 11 open reading frame 65; minus strand). Cytogenetic location: 11q22.3.
Variant type: single nucleotide variant.
Coding change: c.6073A>T on transcript NM_000051.4 (MANE Select); coding-DNA position 6073, A replaced by T.
Protein change: p.Lys2025Ter; replaces lysine 2025 with a stop codon.
Molecular consequence: nonsense. On other transcripts: intron variant (2).
Genome position (GRCh38, 1-based): chr11:108,315,889, A>T. VCF-style: chr11-108315889-A-T. GRCh37 (hg19) VCF-style: chr11-108186616-A-T.
Other names: c.6073A>T, p.Lys2025Ter (NM_001351834.2); c.641-6818T>A (NM_001330368.2); c.*39-6818T>A (NM_001351110.2); short protein forms K2025*.
Identifiers: ClinVar variation 2568155 (VCV002568155.2), dbSNP rs1591777144, ClinGen allele CA382550104.